The following is an entry in ClinVar:

NM_139276.3(STAT3):c.1397A>C (p.Asn466Thr)

Gene: STAT3 (signal transducer and activator of transcription 3; minus strand). Cytogenetic location: 17q21.2.
Variant type: single nucleotide variant.
Coding change: c.1397A>C on transcript NM_139276.3 (MANE Select); coding-DNA position 1397, A replaced by C.
Protein change: p.Asn466Thr; replaces asparagine 466 with threonine.
Molecular consequence: missense variant.
Genome position (GRCh38, 1-based): chr17:42,325,030, T>G on the plus strand (A>C on the coding strand, the complement: STAT3 is on the minus strand). VCF-style: chr17-42325030-T-G. GRCh37 (hg19) VCF-style: chr17-40477048-T-G.
Other names: c.1397A>C, p.Asn466Thr (NM_001369512.1, NM_001369513.1, NM_001369514.1 and 11 more transcripts); c.1313A>C, p.Asn438Thr (NM_001384984.1); c.1319A>C, p.Asn440Thr (NM_001384985.1); c.1412A>C, p.Asn471Thr (NM_001384986.1, NM_001384990.1); c.1301A>C, p.Asn434Thr (NM_001384989.1); c.1337A>C, p.Asn446Thr (NM_001384992.1); short protein forms N466T, N434T, N438T, N440T, N446T, N471T.
Identifiers: ClinVar variation 381595 (VCV000381595.7), dbSNP rs1057521091, ClinGen allele CA16607583.

ClinVar aggregate classification (germline): Pathogenic/Likely pathogenic. Review status: criteria provided, multiple submitters, no conflicts (2 of 4 stars). 2 submissions from 2 submitters: Pathogenic (1); Likely pathogenic (1). Last evaluated 2022-03-07.

Conditions:
Hyper-IgE recurrent infection syndrome 1, autosomal dominant. Also called: JOB SYNDROME; STAT3 Hyper IgE Syndrome; HYPER-IgE SYNDROME 1, AUTOSOMAL DOMINANT, WITH RECURRENT INFECTIONS; Job's Syndrome; Hyper-IgE recurrent infection syndrome 1. Identifiers: Orphanet 2314, MedGen C2936739, MONDO:0007818, OMIM 147060.
STAT3 gain of function. Identifiers: MedGen C4288261.

Submissions (2):

Labcorp Genetics (formerly Invitae), Labcorp
Classification: Pathogenic for STAT3 gain of function; Hyper-IgE recurrent infection syndrome 1, autosomal dominant. Last evaluated: 2022-03-07. Review status: criteria provided, single submitter. Criteria: Invitae Variant Classification Sherloc (09022015). Collection method: clinical testing. Allele origin: germline.
Comment: For these reasons, this variant has been classified as Pathogenic. This variant disrupts the p.Asn466 amino acid residue in STAT3. Other variant(s) that disrupt this residue have been observed in individuals with STAT3-related conditions (PMID: 20159255), which suggests that this may be a clinically significant amino acid residue. Advanced modeling of protein sequence and biophysical properties (such as structural, functional, and spatial information, amino acid conservation, physicochemical variation, residue mobility, and thermodynamic stability) performed at Invitae indicates that this missense variant is expected to disrupt STAT3 protein function. ClinVar contains an entry for this variant (Variation ID: 381595). This missense change has been observed in individuals with Hyper IgE syndrome (PMID: 20159255; Invitae). This variant is not present in population databases (gnomAD no frequency). This sequence change replaces asparagine, which is neutral and polar, with threonine, which is neutral and polar, at codon 466 of the STAT3 protein (p.Asn466Thr).

GeneDx
Classification: Likely pathogenic. Last evaluated: 2016-02-08. Review status: criteria provided, single submitter. Criteria: GeneDx Variant Classification (06012015). Collection method: clinical testing. Allele origin: germline. Affected: yes.
Comment: The N466T likely pathogenic variant in the STAT3 gene has been previously published in association with Hyper-IgE syndrome (Woellner et al., 2010). The variant was not observed in approximately 6,500 individuals of European and African American ancestry in the NHLBI Exome Sequencing Project, indicating it is not a common benign variant in these populations. N466T is a conservative amino acid substitution, which is not likely to impact secondary protein structure as these residues share similar properties. However, this substitution occurs at a position within the DNA-binding domain that is conserved across species, and simulations of the STAT3 protein-DNA complex show the N466 residue is important in the interaction, forming hydrogen bonds with both DNA strands (Husby et al., 2012). Missense variants in the same codon (N466D/S/K) and in nearby residues (S465A/F, Q469R/H) have been reported in the Human Gene Mutation Database in association with Hyper-IgE syndrome (Stenson et al., 2014), supporting the functional importance of this region of the protein. Therefore, this variant is likely pathogenic; however, the possibility that it is benign cannot be excluded.

Literature cited by the submitters: PubMed 20159255 (cited by Labcorp Genetics (formerly Invitae), Labcorp).